The following is an entry in ClinVar:

NM_207346.3(TSEN54):c.1160G>A (p.Arg387Gln)

Gene: TSEN54 (tRNA splicing endonuclease subunit 54; plus strand). Cytogenetic location: 17q25.1.
Variant type: single nucleotide variant.
Coding change: c.1160G>A on transcript NM_207346.3 (MANE Select); coding-DNA position 1160, G replaced by A.
Protein change: p.Arg387Gln; replaces arginine 387 with glutamine.
Molecular consequence: missense variant.
Genome position (GRCh38, 1-based): chr17:75,522,241, G>A. VCF-style: chr17-75522241-G-A. GRCh37 (hg19) VCF-style: chr17-73518322-G-A.
Other names: short protein forms R387Q.
Identifiers: ClinVar variation 1308152 (VCV001308152.2), dbSNP rs1055536776, ClinGen allele CA294079629.

ClinVar aggregate classification (germline): Uncertain significance (1 of 4 stars; one submission).

Allele frequency attached by ClinVar (database versions not stated): TOPMed below 0.00001.

Submission:

GeneDx
Classification: Uncertain significance. Last evaluated: 2019-08-27. Review status: criteria provided, single submitter. Criteria: GeneDx Variant Classification Process June 2021. Collection method: clinical testing. Allele origin: germline. Affected: yes.
Comment: Not observed in large population cohorts (Lek et al., 2016); In silico analysis, which includes protein predictors and evolutionary conservation, supports that this variant does not alter protein structure/function; Has not been previously published as pathogenic or benign to our knowledge